The following is an entry in ClinVar:

NM_000548.5(TSC2):c.1796A>G (p.Lys599Arg)

Gene: TSC2 (TSC complex subunit 2; plus strand). Cytogenetic location: 16p13.3.
Variant type: single nucleotide variant.
Coding change: c.1796A>G on transcript NM_000548.5 (MANE Select); coding-DNA position 1796, A replaced by G.
Protein change: p.Lys599Arg; replaces lysine 599 with arginine.
Molecular consequence: missense variant.
Genome position (GRCh38, 1-based): chr16:2,070,535, A>G. VCF-style: chr16-2070535-A-G. GRCh37 (hg19) VCF-style: chr16-2120536-A-G.
Other names: p.K599R:AAG>AGG; c.1796A>G, p.Lys599Arg (NM_001077183.3, NM_001114382.3, NM_001363528.2 and 3 more transcripts); c.1685A>G, p.Lys562Arg (NM_001318827.2); c.1649A>G, p.Lys550Arg (NM_001318829.2); c.1196A>G, p.Lys399Arg (NM_001318831.2); c.1829A>G, p.Lys610Arg (NM_001318832.2); c.1796A>G (NM_000548.4); short protein forms K599R, K550R, K562R, K610R, K399R.
Identifiers: ClinVar variation 207722 (VCV000207722.17), dbSNP rs45517202, ClinGen allele CA033543.

ClinVar aggregate classification (germline): Conflicting classifications of pathogenicity. Review status: criteria provided, conflicting classifications (1 of 4 stars). 5 submissions from 5 submitters: Uncertain significance (4); Benign (1). Last evaluated 2024-12-02.

Conditions:
Hereditary cancer-predisposing syndrome. Also called: Neoplastic Syndromes, Hereditary; Hereditary Cancer Syndrome; Tumor predisposition; Hereditary neoplastic syndrome. Identifiers: Orphanet 140162, MedGen C0027672, MeSH D009386, MONDO:0015356.
Tuberous sclerosis 2 (TSC2). Identifiers: Orphanet 805, MedGen C1860707, MONDO:0013199, OMIM 613254.

Allele frequency attached by ClinVar (database versions not stated): gnomAD exomes below 0.00001; TOPMed below 0.00001; ExAC 0.00001.
gnomAD v4.1: 2 of 1,613,304 alleles (0.00012%); highest among the groups gnomAD compares: Admixed American, 0.0017%; no homozygotes.

Submissions (5):

Ambry Genetics
Classification: Uncertain significance for Hereditary cancer-predisposing syndrome. Last evaluated: 2024-12-02. Review status: criteria provided, single submitter. Criteria: Ambry Variant Classification Scheme 2023. Collection method: clinical testing. Allele origin: germline.
Comment: The p.K599R variant (also known as c.1796A>G), located in coding exon 16 of the TSC2 gene, results from an A to G substitution at nucleotide position 1796. The lysine at codon 599 is replaced by arginine, an amino acid with highly similar properties. This amino acid position is well conserved in available vertebrate species. In addition, the in silico prediction for this alteration is inconclusive. Based on the available evidence, the clinical significance of this variant remains unclear.

Genetic Services Laboratory, University of Chicago
Classification: Uncertain significance. Last evaluated: 2023-05-24. Review status: criteria provided, single submitter. Criteria: ACMG Guidelines, 2015. Collection method: clinical testing. Allele origin: germline. Affected: no.
Comment: DNA sequence analysis of the TSC2 gene demonstrated a sequence change, c.1796A>G, in exon 17 that results in an amino acid change, p.Lys599Arg. This sequence change has been described in the gnomAD database in one individual corresponding to a population frequency of 0.0004% (dbSNP rs45517202). The p.Lys599Arg change affects a moderately conserved amino acid residue located in a domain of the TSC2 protein that is known to be functional. In-silico pathogenicity prediction tools (SIFT, PolyPhen2, Align GVGD, REVEL) provide contradictory results for the p.Lys599Arg substitution. This sequence change does not appear to have been previously described in individuals with TSC2-related disorders. Due to insufficient evidences and the lack of functional studies, the clinical significance of the p.Lys599Arg change remains unknown at this time.

Labcorp Genetics (formerly Invitae), Labcorp
Classification: Benign for Tuberous sclerosis 2. Last evaluated: 2022-08-31. Review status: criteria provided, single submitter. Criteria: Invitae Variant Classification Sherloc (09022015). Collection method: clinical testing. Allele origin: germline.

Genome-Nilou Lab
Classification: Uncertain significance for Tuberous sclerosis 2. Last evaluated: 2021-11-07. Review status: criteria provided, single submitter. Criteria: ACMG Guidelines, 2015. Collection method: clinical testing. Allele origin: germline. Affected: no.

GeneDx
Classification: Uncertain significance. Last evaluated: 2012-10-28. Review status: criteria provided, single submitter. Criteria: GeneDx Variant Classification (06012015). Collection method: clinical testing. Allele origin: germline. Affected: yes.
Comment: p.Lys599Arg (AAG>AGG):c.1796 A>G in exon 17 of the TSC2 gene (NM_000548.3)The Lys599Arg missense change has not been published as a mutation, nor has it been reported as a benign polymorphism to our knowledge. A different amino acid substitution at the same position, Lys599Met, was previously reported as a de novo mutation in a patient with sporadic tuberous sclerosis, and some in vitro studies suggested it may alter protein function; however, subsequent studies revealed no effect on protein function, and at this time the clinical significance of Lys599Met is unknown (Niida et al., 1999; Tee et al., 2002; Nellist et al., 2005; Hoogeveen-Westerveld et al., 2011; LOVD; an external gene datebase). The NHLBI ESP Exome Variant Project has not identified Lys599Arg in approximately 6,500 individuals of European or African American ethnicity, indicating that it is not a common benign variant in these populations. The amino acid substitution is conservative, as both Lysine and Arginine are positively charged amino acids. Lys599Arg alters a position in the tuberin protein that is not conserved. While one in silico algorithm predicts it may be damaging to protein structure/function, another model predicts it is likely benign. Therefore, based on the currently available information, it is unclear whether Lys599Arg is a disease-causing mutation or a rare benign variant. The variant is found in INFANT-EPI panel(s).